The following is an entry in ClinVar:

ClinVar aggregate classification (germline): Uncertain significance (1 of 4 stars; one submission).

Submission:

GeneDx
Classification: Uncertain significance. Last evaluated: 2025-05-18. Review status: criteria provided, single submitter. Criteria: GeneDx Variant Classification Process June 2021. Collection method: clinical testing. Allele origin: germline. Affected: yes.
Comment: Not observed at significant frequency in large population cohorts (gnomAD); Has not been previously published as pathogenic or benign to our knowledge; In silico analysis is inconclusive as to whether the variant alters gene splicing. In the absence of RNA/functional studies, the actual effect of this sequence change is unknown

NM_001042492.3(NF1):c.5609+3A>C

Gene: NF1 (neurofibromin 1; plus strand). Cytogenetic location: 17q11.2.
Variant type: single nucleotide variant.
Coding change: c.5609+3A>C on transcript NM_001042492.3 (MANE Select); 3 bases into the intron after coding-DNA position 5609, A replaced by C.
Molecular consequence: intron variant.
Genome position (GRCh38, 1-based): chr17:31,327,842, A>C. VCF-style: chr17-31327842-A-C. GRCh37 (hg19) VCF-style: chr17-29654860-A-C.
Other names: c.5546+3A>C (NM_000267.4).
Identifiers: ClinVar variation 4531021 (VCV004531021.1).
Genomic context (GRCh38, chr17:31,327,842, plus strand): 5'-CTGGGACACTGCTCAATATCGCATTACTTAATTTAGGCAGTTCTGACCCGAGTTTACGGT[A>C]GGTTTTTTAAAATTCTCTTCAGTTTGATTTGGGGTTTGTTGCTTTTAAAATGAGACCATT-3'